The following is an entry in ClinVar:

NM_004815.4(ARHGAP29):c.3286A>G (p.Met1096Val)

Gene: ARHGAP29 (Rho GTPase activating protein 29; minus strand). Cytogenetic location: 1p22.1.
Variant type: single nucleotide variant.
Coding change: c.3286A>G on transcript NM_004815.4 (MANE Select); coding-DNA position 3286, A replaced by G.
Protein change: p.Met1096Val; replaces methionine 1096 with valine.
Molecular consequence: missense variant.
Genome position (GRCh38, 1-based): chr1:94,174,369, T>C on the plus strand (A>G on the coding strand, the complement: ARHGAP29 is on the minus strand). VCF-style: chr1-94174369-T-C. GRCh37 (hg19) VCF-style: chr1-94639925-T-C.
Other names: c.3286A>G, p.Met1096Val (NM_001328664.2); c.3094A>G, p.Met1032Val (NM_001328665.2, NM_001328667.2); c.3259A>G, p.Met1087Val (NM_001328666.2); short protein forms M1032V, M1087V, M1096V.
Identifiers: ClinVar variation 4527698 (VCV004527698.1).

ClinVar aggregate classification (germline): Uncertain significance (1 of 4 stars; one submission).

Submission:

GeneDx
Classification: Uncertain significance. Last evaluated: 2025-04-28. Review status: criteria provided, single submitter. Criteria: GeneDx Variant Classification Process June 2021. Collection method: clinical testing. Allele origin: germline. Affected: yes.
Comment: In silico analysis indicates that this missense variant does not alter protein structure/function; Has not been previously published as pathogenic or benign to our knowledge